The following is an entry in ClinVar:

ClinVar aggregate classification (germline): Uncertain significance. Review status: criteria provided, multiple submitters, no conflicts (2 of 4 stars). 3 submissions from 3 submitters: Uncertain significance (3). Last evaluated 2025-11-14.

Conditions:
Hereditary cancer-predisposing syndrome. Also called: Neoplastic Syndromes, Hereditary; Hereditary Cancer Syndrome; Hereditary neoplastic syndrome; Tumor predisposition. Identifiers: Orphanet 140162, MedGen C0027672, MeSH D009386, MONDO:0015356.
Gastrointestinal stromal tumor. Also called: Gastrointestinal stromal tumor, somatic; Gastrointestinal stroma tumor. Identifiers: Orphanet 44890, MedGen C0238198, MeSH D046152, MONDO:0011719, OMIM 606764, HP:0100723.

gnomAD v4.1: 3 of 1,613,902 alleles (0.00019%); highest among the groups gnomAD compares: South Asian, 0.0011%; no homozygotes.

Submissions (3):

Labcorp Genetics (formerly Invitae), Labcorp
Classification: Uncertain significance for Gastrointestinal stromal tumor. Last evaluated: 2025-11-14. Review status: criteria provided, single submitter. Criteria: Invitae Variant Classification Sherloc (09022015). Collection method: clinical testing. Allele origin: germline.
Comment: This sequence change replaces aspartic acid, which is acidic and polar, with histidine, which is basic and polar, at codon 419 of the KIT protein (p.Asp419His). This variant is not present in population databases (gnomAD no frequency). This variant has not been reported in the literature in individuals affected with KIT-related conditions. ClinVar contains an entry for this variant (Variation ID: 1015884). An algorithm developed to predict the effect of missense changes on protein structure and function (PolyPhen-2) suggests that this variant is likely to be disruptive. In summary, the available evidence is currently insufficient to determine the role of this variant in disease. Therefore, it has been classified as a Variant of Uncertain Significance.

Ambry Genetics
Classification: Uncertain significance for Hereditary cancer-predisposing syndrome. Last evaluated: 2025-08-25. Review status: criteria provided, single submitter. Criteria: Ambry Variant Classification Scheme 2023. Collection method: clinical testing. Allele origin: germline.
Comment: The p.D419H variant (also known as c.1255G>C), located in coding exon 8 of the KIT gene, results from a G to C substitution at nucleotide position 1255. The aspartic acid at codon 419 is replaced by histidine, an amino acid with similar properties. This amino acid position is not well conserved in available vertebrate species. In addition, this alteration is predicted to be tolerated by in silico analysis. Since supporting evidence is limited at this time, the clinical significance of this alteration remains unclear.

Baylor Genetics
Classification: Uncertain significance for Gastrointestinal stromal tumor. Last evaluated: 2023-11-21. Review status: criteria provided, single submitter. Criteria: ACMG Guidelines, 2015. Collection method: clinical testing. Allele origin: unknown.

NM_000222.3(KIT):c.1255G>C (p.Asp419His)

Gene: KIT (KIT proto-oncogene, receptor tyrosine kinase; plus strand). Cytogenetic location: 4q12.
Variant type: single nucleotide variant.
Coding change: c.1255G>C on transcript NM_000222.3 (MANE Select); coding-DNA position 1255, G replaced by C.
Protein change: p.Asp419His; replaces aspartic acid 419 with histidine.
Molecular consequence: missense variant.
Genome position (GRCh38, 1-based): chr4:54,723,607, G>C. VCF-style: chr4-54723607-G-C. GRCh37 (hg19) VCF-style: chr4-55589773-G-C.
Other names: c.1255G>C, p.Asp419His (NM_001093772.2, NM_001385285.1, NM_001385286.1); c.1258G>C, p.Asp420His (NM_001385284.1, NM_001385288.1, NM_001385290.1 and 1 more transcripts); short protein forms D419H, D420H.
Identifiers: ClinVar variation 1015884 (VCV001015884.12), dbSNP rs752354428, ClinGen allele CA356905402.